The following is an entry in ClinVar:

NM_139057.4(ADAMTS17):c.2692G>T (p.Val898Phe)

Gene: ADAMTS17 (ADAM metallopeptidase with thrombospondin type 1 motif 17; minus strand). Cytogenetic location: 15q26.3.
Variant type: single nucleotide variant.
Coding change: c.2692G>T on transcript NM_139057.4 (MANE Select); coding-DNA position 2692, G replaced by T.
Protein change: p.Val898Phe; replaces valine 898 with phenylalanine.
Molecular consequence: missense variant.
Genome position (GRCh38, 1-based): chr15:99,997,489, C>A on the plus strand (G>T on the coding strand, the complement: ADAMTS17 is on the minus strand). VCF-style: chr15-99997489-C-A. GRCh37 (hg19) VCF-style: chr15-100537694-C-A.
Other names: short protein forms V898F.
Identifiers: ClinVar variation 1417950 (VCV001417950.6), dbSNP rs182846439, ClinGen allele CA7757619.

ClinVar aggregate classification (germline): Uncertain significance (1 of 4 stars; one submission).

Allele frequency attached by ClinVar (database versions not stated): 1000 Genomes Project 30x 0.00016; 1000 Genomes Project 0.00020.
gnomAD v4.1: 94 of 1,613,556 alleles (0.0058%); highest among the groups gnomAD compares: East Asian, 0.2%; no homozygotes.

Submission:

Labcorp Genetics (formerly Invitae), Labcorp
Classification: Uncertain significance. Last evaluated: 2024-10-25. Review status: criteria provided, single submitter. Criteria: Invitae Variant Classification Sherloc (09022015). Collection method: clinical testing. Allele origin: germline.
Comment: This sequence change replaces valine, which is neutral and non-polar, with phenylalanine, which is neutral and non-polar, at codon 898 of the ADAMTS17 protein (p.Val898Phe). This variant is present in population databases (rs182846439, gnomAD 0.2%). This variant has not been reported in the literature in individuals affected with ADAMTS17-related conditions. ClinVar contains an entry for this variant (Variation ID: 1417950). An algorithm developed to predict the effect of missense changes on protein structure and function (PolyPhen-2) suggests that this variant is likely to be disruptive. In summary, the available evidence is currently insufficient to determine the role of this variant in disease. Therefore, it has been classified as a Variant of Uncertain Significance.